The following is an entry in ClinVar:

ClinVar aggregate classification (germline): Uncertain significance. Review status: criteria provided, multiple submitters, no conflicts (2 of 4 stars). 2 submissions from 2 submitters: Uncertain significance (2). Last evaluated 2024-08-30.

Conditions:
Hereditary cancer-predisposing syndrome. Also called: Tumor predisposition; Neoplastic Syndromes, Hereditary; Hereditary Cancer Syndrome; Hereditary neoplastic syndrome. Identifiers: Orphanet 140162, MedGen C0027672, MeSH D009386, MONDO:0015356.
Neuroblastoma, susceptibility to, 3. Also called: ALK-Related Neuroblastic Tumor Susceptibility. Identifiers: Orphanet 635, MedGen C2751681, MONDO:0013083, OMIM 613014.

gnomAD v4.1: 2 of 1,614,270 alleles (0.00012%); highest among the groups gnomAD compares: Non-Finnish European, 0.00017%; no homozygotes.

Submissions (2):

Ambry Genetics
Classification: Uncertain significance for Hereditary cancer-predisposing syndrome. Last evaluated: 2024-08-30. Review status: criteria provided, single submitter. Criteria: Ambry Variant Classification Scheme 2023. Collection method: clinical testing. Allele origin: germline.
Comment: The p.E859K variant (also known as c.2575G>A), located in coding exon 15 of the ALK gene, results from a G to A substitution at nucleotide position 2575. The glutamic acid at codon 859 is replaced by lysine, an amino acid with similar properties. This amino acid position is conserved. In addition, the in silico prediction for this alteration is inconclusive. Since supporting evidence is limited at this time, the clinical significance of this alteration remains unclear.

Labcorp Genetics (formerly Invitae), Labcorp
Classification: Uncertain significance for Neuroblastoma, susceptibility to, 3. Last evaluated: 2024-08-13. Review status: criteria provided, single submitter. Criteria: Invitae Variant Classification Sherloc (09022015). Collection method: clinical testing. Allele origin: germline.
Comment: This sequence change replaces glutamic acid, which is acidic and polar, with lysine, which is basic and polar, at codon 859 of the ALK protein (p.Glu859Lys). This variant is not present in population databases (gnomAD no frequency). This variant has not been reported in the literature in individuals affected with ALK-related conditions. ClinVar contains an entry for this variant (Variation ID: 1059073). An algorithm developed to predict the effect of missense changes on protein structure and function (PolyPhen-2) suggests that this variant is likely to be disruptive. In summary, the available evidence is currently insufficient to determine the role of this variant in disease. Therefore, it has been classified as a Variant of Uncertain Significance.

NM_004304.5(ALK):c.2575G>A (p.Glu859Lys)

Gene: ALK (ALK receptor tyrosine kinase; minus strand). Cytogenetic location: 2p23.2.
Variant type: single nucleotide variant.
Coding change: c.2575G>A on transcript NM_004304.5 (MANE Select); coding-DNA position 2575, G replaced by A.
Protein change: p.Glu859Lys; replaces glutamic acid 859 with lysine.
Molecular consequence: missense variant.
Genome position (GRCh38, 1-based): chr2:29,232,361, C>T on the plus strand (G>A on the coding strand, the complement: ALK is on the minus strand). VCF-style: chr2-29232361-C-T. GRCh37 (hg19) VCF-style: chr2-29455227-C-T.
Other names: short protein forms E859K.
Identifiers: ClinVar variation 1059073 (VCV001059073.12), dbSNP rs2148183312, ClinGen allele CA346471761.
Genomic context (GRCh38, chr2:29,232,361, plus strand): 5'-TACCTGCGGCTCCGGAATTGCCGTTTAGCCCTAGAACCGAGGAGTTATTCTCCAGTCTCT[C>T]TGGGTGGAACGTGTCTGTCTTGGCCCCGTAGGCCCTGCCACCACCTCCGGCTGCAATGAT-3'
Protein context (NP_004295.2, residues 849-869): YGAKTDTFHP[Glu859Lys]RLENNSSVLG